The following is an entry in ClinVar:

NM_004204.5(PIGQ):c.619C>T (p.Arg207Ter)

Gene: PIGQ (phosphatidylinositol glycan anchor biosynthesis class Q; plus strand). Cytogenetic location: 16p13.3.
Variant type: single nucleotide variant.
Coding change: c.619C>T on transcript NM_004204.5 (MANE Select); coding-DNA position 619, C replaced by T.
Protein change: p.Arg207Ter; replaces arginine 207 with a stop codon.
Molecular consequence: nonsense.
Genome position (GRCh38, 1-based): chr16:574,693, C>T. VCF-style: chr16-574693-C-T. GRCh37 (hg19) VCF-style: chr16-624693-C-T.
Other names: c.619C>T, p.Arg207Ter (NM_148920.4); short protein forms R207*.
Identifiers: ClinVar variation 183339 (VCV000183339.8), dbSNP rs730882240, ClinGen allele CA249960.

ClinVar aggregate classification (germline): Pathogenic. Review status: criteria provided, single submitter (1 of 4 stars). 4 submissions from 4 submitters: Pathogenic (1). 3 of the submissions do not count toward it. Last evaluated 2024-12-09.

Conditions:
Developmental and epileptic encephalopathy, 77. Also called: GLYCOSYLPHOSPHATIDYLINOSITOL BIOSYNTHESIS DEFECT 19; EPILEPTIC ENCEPHALOPATHY, EARLY INFANTILE, 77; MULTIPLE CONGENITAL ANOMALIES-HYPOTONIA-SEIZURES SYNDROME 4. Identifiers: MedGen C5231405, MONDO:0032808, OMIM 618548.
Epilepsy. Also called: Seizure disorder. Identifiers: MedGen C0014544, MeSH D004827, MONDO:0005027.
Global developmental delay (DD). Also called: Cognitive delay. Identifiers: MedGen C0557874, HP:0001263. Disease mechanism: loss of function.
Intractable seizure. Also called: Intractable seizures. Identifiers: MedGen C2674422.
Optic atrophy. Identifiers: MedGen C0029124, MONDO:0003608, HP:0000648.

Allele frequency attached by ClinVar (database versions not stated): gnomAD exomes 0.00001; gnomAD 0.00002 and 0.00003; TOPMed 0.00002.
gnomAD v4.1: 14 of 1,601,674 alleles (0.00087%); highest among the groups gnomAD compares: Non-Finnish European, 0.0012%; no homozygotes.

Submissions (4):

Labcorp Genetics (formerly Invitae), Labcorp
Classification: Pathogenic for Epilepsy. Last evaluated: 2024-12-09. Review status: criteria provided, single submitter. Criteria: Invitae Variant Classification Sherloc (09022015). Collection method: clinical testing. Allele origin: germline.
Comment: This sequence change creates a premature translational stop signal (p.Arg207*) in the PIGQ gene. It is expected to result in an absent or disrupted protein product. Loss-of-function variants in PIGQ are known to be pathogenic (PMID: 24463883, 25558065). This variant is not present in population databases (gnomAD no frequency). This premature translational stop signal has been observed in individual(s) with clinical features of PIGQ-congenital disorder of glycosylation (PMID: 25558065). ClinVar contains an entry for this variant (Variation ID: 183339). Algorithms developed to predict the effect of sequence changes on RNA splicing suggest that this variant may disrupt the consensus splice site. For these reasons, this variant has been classified as Pathogenic.

Biochemical Molecular Genetic Laboratory, King Abdulaziz Medical City
Classification: Likely pathogenic for Developmental and epileptic encephalopathy, 77. Last evaluated: 2020-09-10. Review status: no assertion criteria provided. Collection method: clinical testing. Allele origin: germline. Affected: yes. Not counted in ClinVar's aggregate classification.

OMIM
Classification: Pathogenic for MULTIPLE CONGENITAL ANOMALIES-HYPOTONIA-SEIZURES SYNDROME 4. Last evaluated: 2015-01-13. Review status: no assertion criteria provided. Collection method: literature only. Allele origin: germline. Not counted in ClinVar's aggregate classification.

Genomic Medicine Center of Excellence, King Faisal Specialist Hospital and Research Centre
Classification: Likely pathogenic for Intractable seizure; Developmental delay; Optic atrophy. Last evaluated: 2014-12-01. Review status: no assertion criteria provided. Criteria: research. Collection method: research. Allele origin: germline. Affected: yes. Not counted in ClinVar's aggregate classification.

Literature cited by the submitters: PubMed 24463883 (cited by Labcorp Genetics (formerly Invitae), Labcorp); PubMed 25558065 (cited by 3 submitters).